The following is an entry in ClinVar:

ClinVar aggregate classification (germline): Likely benign. Review status: criteria provided, single submitter (1 of 4 stars). 2 submissions from 2 submitters: Likely benign (1). 1 of the submissions does not count toward it. Last evaluated 2022-02-18.

Conditions:
TGM1-related disorder. Also called: TGM1-related condition.

Allele frequency attached by ClinVar (database versions not stated): gnomAD exomes below 0.00001; TOPMed below 0.00001.
gnomAD v4.1: 4 of 1,614,218 alleles (0.00025%); highest among the groups gnomAD compares: Non-Finnish European, 0.00034%; no homozygotes.

Submissions (2):

Labcorp Genetics (formerly Invitae), Labcorp
Classification: Likely benign. Last evaluated: 2022-02-18. Review status: criteria provided, single submitter. Criteria: Invitae Variant Classification Sherloc (09022015). Collection method: clinical testing. Allele origin: germline.

PreventionGenetics, part of Exact Sciences
Classification: Likely benign for TGM1-related condition. Last evaluated: 2019-05-28. Review status: no assertion criteria provided. Collection method: clinical testing. Allele origin: germline. Not counted in ClinVar's aggregate classification.
Comment: This variant is classified as likely benign based on ACMG/AMP sequence variant interpretation guidelines (Richards et al. 2015 PMID: 25741868, with internal and published modifications).

NM_000359.3(TGM1):c.615G>C (p.Leu205=)

Gene: TGM1 (transglutaminase 1; minus strand). Cytogenetic location: 14q12.
Variant type: single nucleotide variant.
Coding change: c.615G>C on transcript NM_000359.3 (MANE Select); coding-DNA position 615, G replaced by C.
Protein change: p.Leu205=; no amino-acid change (leucine 205 retained).
Molecular consequence: synonymous variant.
Genome position (GRCh38, 1-based): chr14:24,260,592, C>G on the plus strand (G>C on the coding strand, the complement: TGM1 is on the minus strand). VCF-style: chr14-24260592-C-G. GRCh37 (hg19) VCF-style: chr14-24729798-C-G.
Other names: c.615G>C (NM_000359.2).
Identifiers: ClinVar variation 1628561 (VCV001628561.10), dbSNP rs947263481, ClinGen allele CA485783317.